The following is an entry in ClinVar:

NM_144997.7(FLCN):c.250-17T>C

Gene: FLCN (folliculin; minus strand). Cytogenetic location: 17p11.2.
Variant type: single nucleotide variant.
Coding change: c.250-17T>C on transcript NM_144997.7 (MANE Select); 17 bases into the intron before coding-DNA position 250, T replaced by C.
Molecular consequence: intron variant.
Genome position (GRCh38, 1-based): chr17:17,226,339, A>G on the plus strand (T>C on the coding strand, the complement: FLCN is on the minus strand). VCF-style: chr17-17226339-A-G. GRCh37 (hg19) VCF-style: chr17-17129653-A-G.
Other names: c.250-17T>C (NM_001353231.2, NM_001353230.2, NM_001353229.2 and 1 more transcripts).
Identifiers: ClinVar variation 1951669 (VCV001951669.6), dbSNP rs2544284881, ClinGen allele CA2580092670.

ClinVar aggregate classification (germline): Likely benign. Review status: criteria provided, multiple submitters, no conflicts (2 of 4 stars). 2 submissions from 2 submitters: Likely benign (2). Last evaluated 2024-10-22.

Conditions:
Birt-Hogg-Dube syndrome. Also called: Birt Hogg Dubé syndrome. Identifiers: Orphanet 122, MedGen C0346010, MONDO:0800444.
Birt-Hogg-Dube syndrome 1 (BHD1). Also called: FIBROFOLLICULOMAS WITH TRICHODISCOMAS AND ACROCHORDONS. Identifiers: Orphanet 122, MedGen CN375946, MONDO:0800445, OMIM 135150.

Submissions (2):

Myriad Genetics, Inc.
Classification: Likely benign for Birt-Hogg-Dube syndrome 1. Last evaluated: 2024-10-22. Review status: criteria provided, single submitter. Criteria: Myriad Autosomal Dominant, Autosomal Recessive and X-Linked Classification Criteria (2023). Collection method: clinical testing. Allele origin: unknown.
Comment: This variant is considered likely benign. This variant is intronic and is not expected to impact mRNA splicing.

Labcorp Genetics (formerly Invitae), Labcorp
Classification: Likely benign for Birt-Hogg-Dube syndrome. Last evaluated: 2022-08-23. Review status: criteria provided, single submitter. Criteria: Invitae Variant Classification Sherloc (09022015). Collection method: clinical testing. Allele origin: germline.